The following is an entry in ClinVar:

NM_198488.5(SACK1H):c.2029C>T (p.Gln677Ter)

Gene: SACK1H (scaffolding CK1 anchoring protein H; minus strand). Cytogenetic location: 8q24.3.
Variant type: single nucleotide variant.
Coding change: c.2029C>T on transcript NM_198488.5 (MANE Select); coding-DNA position 2029, C replaced by T.
Protein change: p.Gln677Ter; replaces glutamine 677 with a stop codon.
Molecular consequence: nonsense.
Genome position (GRCh38, 1-based): chr8:143,727,432, G>A on the plus strand (C>T on the coding strand, the complement: SACK1H is on the minus strand). VCF-style: chr8-143727432-G-A. GRCh37 (hg19) VCF-style: chr8-144809602-G-A.
Other names: c.2029C>T (NM_198488.3); short protein forms Q677*.
Identifiers: ClinVar variation 775 (VCV000000775.3), dbSNP rs137854440, ClinGen allele CA114501.

ClinVar aggregate classification (germline): Pathogenic/Likely pathogenic. Review status: criteria provided, multiple submitters, no conflicts (2 of 4 stars). 3 submissions from 3 submitters: Pathogenic (1); Likely pathogenic (1). 1 of the submissions does not count toward it. Last evaluated 2023-03-02.

Conditions:
Amelogenesis imperfecta, type 3A (AI3A). Also called: AMELOGENESIS IMPERFECTA, TYPE IIIA, LOCALIZED; AMELOGENESIS IMPERFECTA, HYPOCALCIFICATION TYPE, AUTOSOMAL DOMINANT; AMELOGENESIS IMPERFECTA, TYPE IIIA. Identifiers: MedGen C5886770, MONDO:0007538, OMIM 130900.
Amelogenesis imperfecta, hypocalcification type. Also called: hypocalcified amelogenesis imperfecta; AMELOGENESIS IMPERFECTA, HYPOMINERALIZATION TYPE. Identifiers: Orphanet 100032, Orphanet 88661, MedGen C0399376, MONDO:0968955. Disease mechanism: loss of function.

Submissions (3):

GeneDx
Classification: Likely pathogenic. Last evaluated: 2023-03-02. Review status: criteria provided, single submitter. Criteria: GeneDx Variant Classification Process June 2021. Collection method: clinical testing. Allele origin: germline. Affected: yes.
Comment: Not observed at significant frequency in large population cohorts (gnomAD); Nonsense variant predicted to result in protein truncation, as the last 503 amino acids are lost, and other loss-of-function variants have been reported downstream in HGMD; This variant is associated with the following publications: (PMID: 26147798, 24393486, 21118793, 23545224, 26142250, 20160442, 19220331, 22414746, 18484629, 19825039, 35886055, 28694781, 26502894, 22243262, 26788537, 21597265)

Fulgent Genetics
Classification: Pathogenic for Amelogenesis imperfecta, type 3A. Last evaluated: 2022-01-13. Review status: criteria provided, single submitter. Criteria: ACMG Guidelines, 2015. Collection method: clinical testing. Allele origin: unknown.

OMIM
Classification: Pathogenic for AMELOGENESIS IMPERFECTA, TYPE IIIA. Last evaluated: 2012-01-01. Review status: no assertion criteria provided. Collection method: literature only. Allele origin: germline. Not counted in ClinVar's aggregate classification.

Literature cited by the submitters: PubMed 18484629 (cited by OMIM); PubMed 22414746 (cited by OMIM).